The following is an entry in ClinVar:

ClinVar aggregate classification (germline): Uncertain significance (1 of 4 stars; one submission).

Conditions:
Carnitine palmitoyltransferase II deficiency. Also called: Carnitine Palmitoyltransferase 2 Deficiency. Identifiers: Orphanet 157, MedGen C0342790, MONDO:0015515.

Submission:

Labcorp Genetics (formerly Invitae), Labcorp
Classification: Uncertain significance for Carnitine palmitoyltransferase II deficiency. Last evaluated: 2017-07-17. Review status: criteria provided, single submitter. Criteria: Invitae Variant Classification Sherloc (09022015). Collection method: clinical testing. Allele origin: germline.
Comment: This variant is an in-frame deletion of the genomic region encompassing exon 2 of the CPT2 gene. It preserves the integrity of the reading frame. This variant has not been reported in the literature in individuals with a CPT2-related disease. However, two missense variants located within exon 2 (p.Pro55Arg and p.Ala67Gly) have been reported in individuals affected with CPTII deficiency (PMID: 18550408, 19239046). In summary, the available evidence is currently insufficient to determine the role of this variant in disease. Therefore, it has been classified as a Variant of Uncertain Significance.

NC_000001.11:g.(?_53200699)_(53200819_?)del

Gene: CPT2 (carnitine palmitoyltransferase 2; plus strand). Cytogenetic location: 1p32.3.
Variant type: Deletion.
Identifiers: ClinVar variation 460422 (VCV000460422.1).